The following is an entry in ClinVar:

ClinVar aggregate classification (germline): Uncertain significance. Review status: criteria provided, multiple submitters, no conflicts (2 of 4 stars). 3 submissions from 3 submitters: Uncertain significance (3). Last evaluated 2024-08-27.

Conditions:
Polycystic kidney disease, adult type (PKD1). Also called: Polycystic Kidney Disease 1, Autosomal Dominant; Polycystic kidney disease 1; Polycystic kidney disease 1, severe; POLYCYSTIC KIDNEY DISEASE, ADULT, TYPE I; Polycystic Kidney, Autosomal Dominant; POLYCYSTIC KIDNEY DISEASE 1 WITH OR WITHOUT POLYCYSTIC LIVER DISEASE. Identifiers: MedGen C3149841, MONDO:0008263, OMIM 173900.

gnomAD v4.1: 17 of 998,690 alleles (0.0017%); highest among the groups gnomAD compares: Middle Eastern, 0.098%; no homozygotes.

Submissions (3):

GeneDx
Classification: Uncertain significance. Last evaluated: 2024-08-27. Review status: criteria provided, single submitter. Criteria: GeneDx Variant Classification Process June 2021. Collection method: clinical testing. Allele origin: germline. Affected: yes.
Comment: Not observed at significant frequency in large population cohorts (gnomAD); In silico analysis indicates that this missense variant does not alter protein structure/function; Has not been previously published as pathogenic or benign to our knowledge

Department of Pathology and Laboratory Medicine, Sinai Health System
Classification: Uncertain significance for Polycystic kidney disease, adult type. Last evaluated: 2024-08-15. Review status: criteria provided, single submitter. Criteria: ACMG Guidelines, 2015. Collection method: clinical testing. Allele origin: germline.

Genetic Services Laboratory, University of Chicago
Classification: Uncertain significance. Last evaluated: 2023-02-27. Review status: criteria provided, single submitter. Criteria: ACMG Guidelines, 2015. Collection method: clinical testing. Allele origin: germline. Affected: no.
Comment: DNA sequence analysis of the PKD1 gene demonstrated a sequence change, c.82C>T, in exon 1 that results in an amino acid change, p.Arg28Cys. This sequence change has been described in the gnomAD database in one individual which corresponds to a population frequency of 0.004% (dbSNP rs963532477). The p.Arg28Cys change affects a poorly conserved amino acid residue located in a domain of the PKD1 protein that is not known to be functional. The p.Arg28Cys substitution appears to be benign using several in-silico pathogenicity prediction tools (SIFT, PolyPhen2, Align GVGD, REVEL). This sequence change does not appear to have been previously described in individuals with PKD1-related disorders. Due to insufficient evidence and the lack of functional studies, the clinical significance of the p.Arg28Cys change remains unknown at this time.

NM_001009944.3(PKD1):c.82C>T (p.Arg28Cys)

Gene: PKD1 (polycystin 1, transient receptor potential channel interacting; minus strand). Cytogenetic location: 16p13.3.
Variant type: single nucleotide variant.
Coding change: c.82C>T on transcript NM_001009944.3 (MANE Select); coding-DNA position 82, C replaced by T.
Protein change: p.Arg28Cys; replaces arginine 28 with cysteine.
Molecular consequence: missense variant.
Genome position (GRCh38, 1-based): chr16:2,135,608, G>A on the plus strand (C>T on the coding strand, the complement: PKD1 is on the minus strand). VCF-style: chr16-2135608-G-A. GRCh37 (hg19) VCF-style: chr16-2185609-G-A.
Other names: c.82C>T, p.Arg28Cys (NM_000296.4); short protein forms R28C.
Identifiers: ClinVar variation 3766289 (VCV003766289.4).